The following is an entry in ClinVar:

NM_002960.2(S100A3):c.184C>G (p.Leu62Val)

Genes: S100A3 (S100 calcium binding protein A3; minus strand), LOC101928034 (uncharacterized LOC101928034; plus strand). Cytogenetic location: 1q21.3.
Variant type: single nucleotide variant.
Coding change: c.184C>G on transcript NM_002960.2 (MANE Select); coding-DNA position 184, C replaced by G.
Protein change: p.Leu62Val; replaces leucine 62 with valine.
Molecular consequence: missense variant.
Genome position (GRCh38, 1-based): chr1:153,547,804, G>C on the plus strand (C>G on the coding strand, the complement: S100A3 is on the minus strand). VCF-style: chr1-153547804-G-C. GRCh37 (hg19) VCF-style: chr1-153520280-G-C.
Other names: short protein forms L62V.
Identifiers: ClinVar variation 3067197 (VCV003067197.21), dbSNP rs116208483, ClinGen allele CA1116295.

ClinVar aggregate classification (germline): Likely benign (1 of 4 stars; one submission).

Allele frequency attached by ClinVar (database versions not stated): 1000 Genomes Project 30x 0.00297; 1000 Genomes Project 0.00300; TOPMed 0.00464; ESP Exome Variant Server 0.00515; gnomAD 0.00581; ExAC 0.00636.

Submission:

CeGaT Center for Human Genetics Tuebingen
Classification: Likely benign. Last evaluated: 2024-03-01. Review status: criteria provided, single submitter. Criteria: CeGaT Center For Human Genetics Tuebingen Variant Classification Criteria Version 2. Collection method: clinical testing. Allele origin: germline. Affected: yes. Observed: 1 variant allele.
Comment: S100A3: BP4, BS2